The following is an entry in ClinVar:

ClinVar aggregate classification (germline): Uncertain significance (1 of 4 stars; one submission).

gnomAD v4.1: 1 of 1,613,532 alleles (0.000062%); no homozygotes.

Submission:

Labcorp Genetics (formerly Invitae), Labcorp
Classification: Uncertain significance. Last evaluated: 2024-05-18. Review status: criteria provided, single submitter. Criteria: Invitae Variant Classification Sherloc (09022015). Collection method: clinical testing. Allele origin: germline.
Comment: This sequence change replaces lysine, which is basic and polar, with arginine, which is basic and polar, at codon 1115 of the SAMD9L protein (p.Lys1115Arg). This variant is not present in population databases (gnomAD no frequency). This variant has not been reported in the literature in individuals affected with SAMD9L-related conditions. Advanced modeling of protein sequence and biophysical properties (such as structural, functional, and spatial information, amino acid conservation, physicochemical variation, residue mobility, and thermodynamic stability) performed at Invitae indicates that this missense variant is not expected to disrupt SAMD9L protein function with a negative predictive value of 80%. In summary, the available evidence is currently insufficient to determine the role of this variant in disease. Therefore, it has been classified as a Variant of Uncertain Significance.

NM_152703.5(SAMD9L):c.3344A>G (p.Lys1115Arg)

Gene: SAMD9L (sterile alpha motif domain containing 9 like; minus strand). Cytogenetic location: 7q21.2.
Variant type: single nucleotide variant.
Coding change: c.3344A>G on transcript NM_152703.5 (MANE Select); coding-DNA position 3344, A replaced by G.
Protein change: p.Lys1115Arg; replaces lysine 1115 with arginine.
Molecular consequence: missense variant.
Genome position (GRCh38, 1-based): chr7:93,132,628, T>C on the plus strand (A>G on the coding strand, the complement: SAMD9L is on the minus strand). VCF-style: chr7-93132628-T-C. GRCh37 (hg19) VCF-style: chr7-92761941-T-C.
Other names: c.3344A>G, p.Lys1115Arg (NM_001303496.3, NM_001303497.3, NM_001303498.3 and 5 more transcripts); short protein forms K1115R.
Identifiers: ClinVar variation 3653783 (VCV003653783.2).
Genomic context (GRCh38, chr7:93,132,628, plus strand): 5'-AACCACCATTTGATTTCACTTTTGTAGACTTGACCTAGTGTATCTGAAATATAGGAATTT[T>C]TAGGTGCTTTCATTTTGGCCTGACGTGCCCAGTCCAGAGCTGTGTTAAAGTCCTTCTCTT-3'
Protein context (NP_689916.2, residues 1105-1125): WARQAKMKAP[Lys1115Arg]NSYISDTLGQ